The following is an entry in ClinVar:

NM_173689.7(CRB2):c.1108G>A (p.Gly370Ser)

Gene: CRB2 (crumbs cell polarity complex component 2; plus strand). Cytogenetic location: 9q33.3.
Variant type: single nucleotide variant.
Coding change: c.1108G>A on transcript NM_173689.7 (MANE Select); coding-DNA position 1108, G replaced by A.
Protein change: p.Gly370Ser; replaces glycine 370 with serine.
Molecular consequence: missense variant. On other transcripts: non-coding transcript variant (1).
Genome position (GRCh38, 1-based): chr9:123,370,161, G>A. VCF-style: chr9-123370161-G-A. GRCh37 (hg19) VCF-style: chr9-126132440-G-A.
Other names: c.1108G>A (NM_173689.5); short protein forms G370S.
Identifiers: ClinVar variation 1357470 (VCV001357470.9), dbSNP rs777423121, ClinGen allele CA5231907.

ClinVar aggregate classification (germline): Uncertain significance. Review status: criteria provided, multiple submitters, no conflicts (2 of 4 stars). 2 submissions from 2 submitters: Uncertain significance (2). Last evaluated 2024-11-13.

Conditions:
Inborn genetic diseases. Identifiers: MedGen C0950123, MeSH D030342.

Allele frequency attached by ClinVar (database versions not stated): gnomAD 0.00001; gnomAD exomes 0.00001; TOPMed 0.00001; ExAC 0.00002.
gnomAD v4.1: 19 of 1,608,776 alleles (0.0012%); highest among the groups gnomAD compares: South Asian, 0.013%; no homozygotes.

Submissions (2):

Ambry Genetics
Classification: Uncertain significance for Inborn genetic diseases. Last evaluated: 2024-11-13. Review status: criteria provided, single submitter. Criteria: Ambry Variant Classification Scheme 2023. Collection method: clinical testing. Allele origin: germline.

Labcorp Genetics (formerly Invitae), Labcorp
Classification: Uncertain significance. Last evaluated: 2021-03-04. Review status: criteria provided, single submitter. Criteria: Invitae Variant Classification Sherloc (09022015). Collection method: clinical testing. Allele origin: germline.
Comment: In summary, the available evidence is currently insufficient to determine the role of this variant in disease. Therefore, it has been classified as a Variant of Uncertain Significance. Algorithms developed to predict the effect of sequence changes on RNA splicing suggest that this variant may create or strengthen a splice site, but this prediction has not been confirmed by published transcriptional studies. Advanced modeling of protein sequence and biophysical properties (such as structural, functional, and spatial information, amino acid conservation, physicochemical variation, residue mobility, and thermodynamic stability) performed at Invitae indicates that this missense variant is expected to disrupt CRB2 protein function. This variant has not been reported in the literature in individuals with CRB2-related conditions. This variant is present in population databases (rs777423121, ExAC 0.01%). This sequence change replaces glycine with serine at codon 370 of the CRB2 protein (p.Gly370Ser). The glycine residue is moderately conserved and there is a small physicochemical difference between glycine and serine.